The following is an entry in ClinVar:

NM_152564.5(VPS13B):c.1303G>T (p.Ala435Ser)

Gene: VPS13B (vacuolar protein sorting 13 homolog B; plus strand). Cytogenetic location: 8q22.2.
Variant type: single nucleotide variant.
Coding change: c.1303G>T on transcript NM_152564.5 (MANE Select); coding-DNA position 1303, G replaced by T.
Protein change: p.Ala435Ser; replaces alanine 435 with serine.
Molecular consequence: missense variant.
Genome position (GRCh38, 1-based): chr8:99,135,015, G>T. VCF-style: chr8-99135015-G-T. GRCh37 (hg19) VCF-style: chr8-100147243-G-T.
Other names: c.1303G>T, p.Ala435Ser (NM_015243.3, NM_017890.5); short protein forms A435S.
Identifiers: ClinVar variation 4994781 (VCV004994781.1).

ClinVar aggregate classification (germline): Uncertain significance (1 of 4 stars; one submission).

Conditions:
VPS13B-related disorder. Also called: VPS13B-related condition.

Submission:

PreventionGenetics, part of Exact Sciences
Classification: Uncertain significance for VPS13B-related condition. Last evaluated: 2026-09-24. Review status: criteria provided, single submitter. Criteria: ACMG Guidelines, 2015. Collection method: clinical testing. Allele origin: germline.
Comment: The VPS13B c.1303G>T variant is predicted to result in the amino acid substitution p.Ala435Ser. To our knowledge, this variant has not been reported in the literature or in a large population database (gnomAD), indicating this variant is rare. At this time, the clinical significance of this variant is uncertain due to the absence of conclusive functional and genetic evidence.